The following is an entry in ClinVar:

NM_182493.3(MYLK3):c.1138C>T (p.Arg380Cys)

Gene: MYLK3 (myosin light chain kinase 3; minus strand). Cytogenetic location: 16q11.2.
Variant type: single nucleotide variant.
Coding change: c.1138C>T on transcript NM_182493.3 (MANE Select); coding-DNA position 1138, C replaced by T.
Protein change: p.Arg380Cys; replaces arginine 380 with cysteine.
Molecular consequence: missense variant.
Genome position (GRCh38, 1-based): chr16:46,732,532, G>A on the plus strand (C>T on the coding strand, the complement: MYLK3 is on the minus strand). VCF-style: chr16-46732532-G-A. GRCh37 (hg19) VCF-style: chr16-46766444-G-A.
Other names: c.115C>T, p.Arg39Cys (NM_001308301.1); short protein forms R39C, R380C.
Identifiers: ClinVar variation 1449971 (VCV001449971.6), dbSNP rs771870674, ClinGen allele CA8038067.

ClinVar aggregate classification (germline): Uncertain significance (1 of 4 stars; one submission).

Allele frequency attached by ClinVar (database versions not stated): TOPMed 0.00001.
gnomAD v4.1: 13 of 1,603,136 alleles (0.00081%); highest among the groups gnomAD compares: South Asian, 0.0011%; no homozygotes.

Submission:

Labcorp Genetics (formerly Invitae), Labcorp
Classification: Uncertain significance. Last evaluated: 2025-12-24. Review status: criteria provided, single submitter. Criteria: Invitae Variant Classification Sherloc (09022015). Collection method: clinical testing. Allele origin: germline.
Comment: This sequence change replaces arginine, which is basic and polar, with cysteine, which is neutral and slightly polar, at codon 380 of the MYLK3 protein (p.Arg380Cys). This variant is present in population databases (rs771870674, gnomAD 0.003%). This variant has not been reported in the literature in individuals affected with MYLK3-related conditions. ClinVar contains an entry for this variant (Variation ID: 1449971). An algorithm developed to predict the effect of missense changes on protein structure and function outputs the following: PolyPhen-2: "Benign". The cysteine amino acid residue is found in multiple mammalian species, which suggests that this missense change does not adversely affect protein function. In summary, the available evidence is currently insufficient to determine the role of this variant in disease. Therefore, it has been classified as a Variant of Uncertain Significance.